The following is an entry in ClinVar:

NM_024675.4(PALB2):c.660T>C (p.Ser220=)

Gene: PALB2 (partner and localizer of BRCA2; minus strand). Cytogenetic location: 16p12.2.
Variant type: single nucleotide variant.
Coding change: c.660T>C on transcript NM_024675.4 (MANE Select); coding-DNA position 660, T replaced by C.
Protein change: p.Ser220=; no amino-acid change (serine 220 retained).
Molecular consequence: synonymous variant.
Genome position (GRCh38, 1-based): chr16:23,635,886, A>G on the plus strand (T>C on the coding strand, the complement: PALB2 is on the minus strand). VCF-style: chr16-23635886-A-G. GRCh37 (hg19) VCF-style: chr16-23647207-A-G.
Identifiers: ClinVar variation 221034 (VCV000221034.26), dbSNP rs571762192, ClinGen allele CA347975.

ClinVar aggregate classification (germline): Benign/Likely benign. Review status: criteria provided, multiple submitters, no conflicts (2 of 4 stars). 12 submissions from 12 submitters: Benign (1); Likely benign (9). 2 of the submissions do not count toward it. Last evaluated 2026-09-01.

Conditions:
Hereditary cancer-predisposing syndrome. Also called: Neoplastic Syndromes, Hereditary; Tumor predisposition; Hereditary Cancer Syndrome; Hereditary neoplastic syndrome. Identifiers: Orphanet 140162, MedGen C0027672, MeSH D009386, MONDO:0015356.
PALB2-related disorder. Also called: PALB2-related disorders; PALB2-related condition.
Familial cancer of breast. Also called: BREAST CANCER, FAMILIAL; hereditary breast carcinoma; Hereditary breast cancer. Identifiers: Orphanet 227535, MedGen C0346153, MONDO:0016419, OMIM 114480. Disease mechanism: loss of function.
Malignant tumor of breast. Also called: Cancer breast; Malignant breast neoplasm. Identifiers: MedGen C0006142, MONDO:0007254. Disease mechanism: loss of function.

Allele frequency attached by ClinVar (database versions not stated): gnomAD 0.00001; TOPMed 0.00001; gnomAD exomes 0.00002; 1000 Genomes Project 30x 0.00016; 1000 Genomes Project 0.00020.
gnomAD v4.1: 13 of 1,614,186 alleles (0.00081%); highest among the groups gnomAD compares: Admixed American, 0.02%; no homozygotes.

Submissions (12):

CeGaT Center for Human Genetics Tuebingen
Classification: Likely benign. Last evaluated: 2026-09-01. Review status: criteria provided, single submitter. Criteria: CeGaT Center For Human Genetics Tuebingen Variant Classification Criteria Version 2. Collection method: clinical testing. Allele origin: germline. Affected: yes. Observed: 1 variant allele.
Comment: PALB2: BP4, BP7

Labcorp Genetics (formerly Invitae), Labcorp
Classification: Likely benign for Familial cancer of breast. Last evaluated: 2026-01-11. Review status: criteria provided, single submitter. Criteria: Invitae Variant Classification Sherloc (09022015). Collection method: clinical testing. Allele origin: germline.

PreventionGenetics, part of Exact Sciences
Classification: Likely benign for PALB2-related condition. Last evaluated: 2025-07-24. Review status: criteria provided, single submitter. Criteria: ACMG Guidelines, 2015. Collection method: clinical testing. Allele origin: germline.
Comment: This variant is classified as likely benign based on ACMG/AMP sequence variant interpretation guidelines (Richards et al. 2015 PMID: 25741868, with internal and published modifications).

Myriad Genetics, Inc.
Classification: Benign for Familial cancer of breast. Last evaluated: 2023-03-30. Review status: criteria provided, single submitter. Criteria: Myriad Autosomal Dominant, Autosomal Recessive and X-Linked Classification Criteria (2023). Collection method: clinical testing. Allele origin: unknown.
Comment: This variant is considered benign. This variant is a silent/synonymous amino acid change and it is not expected to impact splicing.

Quest Diagnostics Nichols Institute San Juan Capistrano
Classification: Likely benign. Last evaluated: 2021-12-28. Review status: criteria provided, single submitter. Criteria: Quest Diagnostics criteria. Collection method: clinical testing. Allele origin: unknown.

Sema4
Classification: Likely benign for Hereditary cancer-predisposing syndrome. Last evaluated: 2020-11-13. Review status: criteria provided, single submitter. Criteria: Sema4 Curation Guidelines. Collection method: curation. Allele origin: germline.

Women's Health and Genetics/Laboratory Corporation of America, LabCorp
Classification: Likely benign. Last evaluated: 2019-08-29. Review status: criteria provided, single submitter. Criteria: LabCorp Variant Classification Summary - May 2015. Collection method: clinical testing. Allele origin: germline.

GeneDx
Classification: Likely benign. Last evaluated: 2017-09-25. Review status: criteria provided, single submitter. Criteria: GeneDx Variant Classification (06012015). Collection method: clinical testing. Allele origin: germline. Affected: yes.
Comment: This variant is considered likely benign or benign based on one or more of the following criteria: it is a conservative change, it occurs at a poorly conserved position in the protein, it is predicted to be benign by multiple in silico algorithms, and/or has population frequency not consistent with disease.

Color Diagnostics, LLC DBA Color Health
Classification: Likely benign for Hereditary cancer-predisposing syndrome. Last evaluated: 2017-01-17. Review status: criteria provided, single submitter. Criteria: ACMG Guidelines, 2015. Collection method: clinical testing. Allele origin: germline.

Ambry Genetics
Classification: Likely benign for Hereditary cancer-predisposing syndrome. Last evaluated: 2015-10-10. Review status: criteria provided, single submitter. Criteria: Ambry Variant Classification Scheme 2023. Collection method: clinical testing. Allele origin: germline.

Counsyl
Classification: Likely benign for Familial cancer of breast. Last evaluated: 2016-03-03. Review status: no assertion criteria provided. Collection method: clinical testing. Allele origin: unknown. Not counted in ClinVar's aggregate classification.

Department of Pathology and Laboratory Medicine, Sinai Health System
Classification: Uncertain significance for Malignant tumor of breast. Review status: no assertion criteria provided. Collection method: clinical testing. Allele origin: unknown. Affected: yes. Study: The Canadian Open Genetics Repository (COGR). Not counted in ClinVar's aggregate classification.
Comment: The PALB2 p.Ser220= variant was identified in the following databases: ClinVar (likely benign), Clinvitae (likely benign), and Cosmic (seen as a somatic mutation in clear cell renal carcinoma). The variant was also identified in dbSNP (ID: rs571762192) as â€šÃ„Ãºwith likely benign alleleâ€šÃ„Ã¹. The variant was not identified in the literature nor was it identified in the MutDB, LOVD 3.0, or Zhejiang Colon Cancer databases. The variant was identified in control databases in only 3 of 246206 chromosomes at a frequency of 0.00001 (Genome Aggregation Database Feb 27, 2017). The variant was observed in the Latino population in 3 of 33582 chromosomes (freq: 0.00009), while the variant was not observed in the African, Other, European Non-Finnish, Ashkenazi Jewish, East Asian, Finnish, or South Asian populations. The p.Ser220= variant is not expected to alter gene function because it does not result in a change of amino acid and in silico or computational prediction software programs (SpliceSiteFinder, MaxEntScan, NNSPLICE, GeneSplicer, HumanSpliceFinder) do not predict a difference in splicing. In summary, based on the above information, the clinical significance of this variant cannot be determined with certainty at this time. This variant is classified as a variant of uncertain significance.

Literature cited by the submitters: PubMed 32885271 (cited by Quest Diagnostics Nichols Institute San Juan Capistrano).